The following is an entry in ClinVar:

NM_000368.5(TSC1):c.391A>G (p.Thr131Ala)

Gene: TSC1 (TSC complex subunit 1; minus strand). Cytogenetic location: 9q34.13.
Variant type: single nucleotide variant.
Coding change: c.391A>G on transcript NM_000368.5 (MANE Select); coding-DNA position 391, A replaced by G.
Protein change: p.Thr131Ala; replaces threonine 131 with alanine.
Molecular consequence: missense variant.
Genome position (GRCh38, 1-based): chr9:132,923,465, T>C on the plus strand (A>G on the coding strand, the complement: TSC1 is on the minus strand). VCF-style: chr9-132923465-T-C. GRCh37 (hg19) VCF-style: chr9-135798852-T-C.
Other names: c.391A>G, p.Thr131Ala (NM_001162426.2); c.238A>G, p.Thr80Ala (NM_001162427.2); c.28A>G, p.Thr10Ala (NM_001362177.2); short protein forms T80A, T10A, T131A.
Identifiers: ClinVar variation 824377 (VCV000824377.19), dbSNP rs1564499857, ClinGen allele CA375373652.
Genomic context (GRCh38, chr9:132,923,465, plus strand): 5'-GATGCTGTTTCCCAGACTGTGGAATCATTGGTAGCATGGTTATCAACACCAAGACGCCTG[T>C]TGTGAGGACAACGACGTCAGTGTCCATCTGCAGGAGAAAAGGTCAAACAGGAAACGTCTG-3'
Protein context (NP_000359.1, residues 121-141): KMDTDVVVLT[Thr131Ala]GVLVLITMLP

ClinVar aggregate classification (germline): Conflicting classifications of pathogenicity. Review status: criteria provided, conflicting classifications (1 of 4 stars). 5 submissions from 5 submitters: Uncertain significance (4); Likely benign (1). Last evaluated 2025-12-24.

Conditions:
Tuberous sclerosis 1 (TSC1). Identifiers: Orphanet 805, MedGen C1854465, MONDO:0008612, OMIM 191100.
Hereditary cancer-predisposing syndrome. Also called: Neoplastic Syndromes, Hereditary; Tumor predisposition; Hereditary Cancer Syndrome; Hereditary neoplastic syndrome. Identifiers: Orphanet 140162, MedGen C0027672, MeSH D009386, MONDO:0015356.

Allele frequency attached by ClinVar (database versions not stated): gnomAD exomes below 0.00001 and 0.00001.
gnomAD v4.1: 13 of 1,614,128 alleles (0.00081%); highest among the groups gnomAD compares: East Asian, 0.0022%; no homozygotes.

Submissions (5):

Labcorp Genetics (formerly Invitae), Labcorp
Classification: Likely benign for Tuberous sclerosis 1. Last evaluated: 2025-12-24. Review status: criteria provided, single submitter. Criteria: Invitae Variant Classification Sherloc (09022015). Collection method: clinical testing. Allele origin: germline.

Ambry Genetics
Classification: Uncertain significance for Hereditary cancer-predisposing syndrome. Last evaluated: 2025-01-08. Review status: criteria provided, single submitter. Criteria: Ambry Variant Classification Scheme 2023. Collection method: clinical testing. Allele origin: germline.
Comment: The p.T131A variant (also known as c.391A>G), located in coding exon 4 of the TSC1 gene, results from an A to G substitution at nucleotide position 391. The threonine at codon 131 is replaced by alanine, an amino acid with similar properties. This amino acid position is highly conserved in available vertebrate species. In addition, this alteration is predicted to be deleterious by in silico analysis. Since supporting evidence is limited at this time, the clinical significance of this alteration remains unclear.

GeneDx
Classification: Uncertain significance. Last evaluated: 2024-10-13. Review status: criteria provided, single submitter. Criteria: GeneDx Variant Classification Process June 2021. Collection method: clinical testing. Allele origin: germline. Affected: yes.
Comment: In silico analysis indicates that this missense variant does not alter protein structure/function; Has not been previously published as pathogenic or benign to our knowledge

Blueprint Genetics
Classification: Uncertain significance. Last evaluated: 2024-10-08. Review status: criteria provided, single submitter. Criteria: ACMG Guidelines, 2015. Collection method: clinical testing. Allele origin: germline.

Genome-Nilou Lab
Classification: Uncertain significance for Tuberous sclerosis 1. Last evaluated: 2021-11-07. Review status: criteria provided, single submitter. Criteria: ACMG Guidelines, 2015. Collection method: clinical testing. Allele origin: germline. Affected: no.